The following is an entry in ClinVar:

NM_000256.3(MYBPC3):c.2905+4A>C

Gene: MYBPC3 (myosin binding protein C3; minus strand). Cytogenetic location: 11p11.2.
Variant type: single nucleotide variant.
Coding change: c.2905+4A>C on transcript NM_000256.3 (MANE Select); 4 bases into the intron after coding-DNA position 2905, A replaced by C.
Molecular consequence: intron variant.
Genome position (GRCh38, 1-based): chr11:47,335,038, T>G on the plus strand (A>C on the coding strand, the complement: MYBPC3 is on the minus strand). VCF-style: chr11-47335038-T-G. GRCh37 (hg19) VCF-style: chr11-47356589-T-G.
Identifiers: ClinVar variation 2055076 (VCV002055076.4), dbSNP rs2495744177, ClinGen allele CA2580084258.

ClinVar aggregate classification (germline): Uncertain significance (1 of 4 stars; one submission).

Conditions:
Hypertrophic cardiomyopathy. Also called: HYPERTROPHIC MYOCARDIOPATHY. Identifiers: Orphanet 217569, MedGen C0007194, MeSH D002312, MONDO:0005045, HP:0001639.

Submission:

Labcorp Genetics (formerly Invitae), Labcorp
Classification: Uncertain significance for Hypertrophic cardiomyopathy. Last evaluated: 2021-12-23. Review status: criteria provided, single submitter. Criteria: Invitae Variant Classification Sherloc (09022015). Collection method: clinical testing. Allele origin: germline.
Comment: This sequence change falls in intron 27 of the MYBPC3 gene. It does not directly change the encoded amino acid sequence of the MYBPC3 protein. It affects a nucleotide within the consensus splice site. This variant is not present in population databases (gnomAD no frequency). This variant has not been reported in the literature in individuals affected with MYBPC3-related conditions. Variants that disrupt the consensus splice site are a relatively common cause of aberrant splicing (PMID: 17576681, 9536098). Algorithms developed to predict the effect of sequence changes on RNA splicing suggest that this variant may disrupt the consensus splice site. In summary, the available evidence is currently insufficient to determine the role of this variant in disease. Therefore, it has been classified as a Variant of Uncertain Significance.

Literature cited by the submitters: PubMed 17576681; PubMed 9536098.